The following is an entry in ClinVar:

ClinVar aggregate classification (germline): Uncertain significance (1 of 4 stars; one submission).

gnomAD v4.1: 1 of 1,550,348 alleles (0.000065%); no homozygotes.

Submission:

Labcorp Genetics (formerly Invitae), Labcorp
Classification: Uncertain significance. Last evaluated: 2024-08-05. Review status: criteria provided, single submitter. Criteria: Invitae Variant Classification Sherloc (09022015). Collection method: clinical testing. Allele origin: germline.
Comment: This sequence change replaces glutamine, which is neutral and polar, with lysine, which is basic and polar, at codon 2578 of the ZNF469 protein (p.Gln2578Lys). This variant is not present in population databases (gnomAD no frequency). This variant has not been reported in the literature in individuals affected with ZNF469-related conditions. An algorithm developed to predict the effect of missense changes on protein structure and function outputs the following: PolyPhen-2: "Benign". The lysine amino acid residue is found in multiple mammalian species, which suggests that this missense change does not adversely affect protein function. In summary, the available evidence is currently insufficient to determine the role of this variant in disease. Therefore, it has been classified as a Variant of Uncertain Significance.

NM_001367624.2(ZNF469):c.7816C>A (p.Gln2606Lys)

Gene: ZNF469 (zinc finger protein 469; plus strand). Cytogenetic location: 16q24.2.
Variant type: single nucleotide variant.
Coding change: c.7816C>A on transcript NM_001367624.2 (MANE Select); coding-DNA position 7816, C replaced by A.
Protein change: p.Gln2606Lys; replaces glutamine 2606 with lysine.
Molecular consequence: missense variant.
Genome position (GRCh38, 1-based): chr16:88,435,286, C>A. VCF-style: chr16-88435286-C-A. GRCh37 (hg19) VCF-style: chr16-88501694-C-A.
Other names: short protein forms Q2606K.
Identifiers: ClinVar variation 3694903 (VCV003694903.2).